The following is an entry in ClinVar:

ClinVar aggregate classification (germline): Uncertain significance (1 of 4 stars; one submission).

Submission:

GeneDx
Classification: Uncertain significance. Last evaluated: 2025-06-18. Review status: criteria provided, single submitter. Criteria: GeneDx Variant Classification Process June 2021. Collection method: clinical testing. Allele origin: germline. Affected: yes.
Comment: Not observed at significant frequency in large population cohorts (gnomAD); Missense variants in this gene are a common cause of disease and they are underrepresented in the general population; In silico analysis supports that this missense variant has a deleterious effect on protein structure/function; Has not been previously published as pathogenic or benign to our knowledge

NM_001101.5(ACTB):c.1100C>T (p.Pro367Leu)

Gene: ACTB (actin beta; minus strand). Cytogenetic location: 7p22.1.
Variant type: single nucleotide variant.
Coding change: c.1100C>T on transcript NM_001101.5 (MANE Select); coding-DNA position 1100, C replaced by T.
Protein change: p.Pro367Leu; replaces proline 367 with leucine.
Molecular consequence: missense variant.
Genome position (GRCh38, 1-based): chr7:5,527,776, G>A on the plus strand (C>T on the coding strand, the complement: ACTB is on the minus strand). VCF-style: chr7-5527776-G-A. GRCh37 (hg19) VCF-style: chr7-5567407-G-A.
Other names: short protein forms P367L.
Identifiers: ClinVar variation 4538828 (VCV004538828.1).
Genomic context (GRCh38, chr7:5,527,776, plus strand): 5'-AAAGGGTGTAACGCAACTAAGTCATAGTCCGCCTAGAAGCATTTGCGGTGGACGATGGAG[G>A]GGCCGGACTCGTCATACTCCTGCTTGCTGATCCACATCTGCTGGAAGGTGGACAGCGAGG-3'
Protein context (NP_001092.1, residues 357-375): ISKQEYDESG[Pro367Leu]SIVHRKCF